The following is an entry in ClinVar:

ClinVar aggregate classification (germline): Uncertain significance (1 of 4 stars; one submission).

Conditions:
Primary ciliary dyskinesia. Also called: Ciliary dyskinesia. Identifiers: Orphanet 244, MedGen C0008780, MONDO:0016575, HP:0012265.

Submission:

Labcorp Genetics (formerly Invitae), Labcorp
Classification: Uncertain significance for Primary ciliary dyskinesia. Last evaluated: 2025-09-28. Review status: criteria provided, single submitter. Criteria: Invitae Variant Classification Sherloc (09022015). Collection method: clinical testing. Allele origin: germline.
Comment: This sequence change replaces glycine, which is neutral and non-polar, with arginine, which is basic and polar, at codon 145 of the CCDC103 protein (p.Gly145Arg). This variant is not present in population databases (gnomAD no frequency). This missense change has been observed in individual(s) with Kartagener's syndrome (internal data). In at least one individual the data is consistent with being in trans (on the opposite chromosome) from a pathogenic variant. An algorithm developed to predict the effect of missense changes on protein structure and function (PolyPhen-2) suggests that this variant is likely to be disruptive. In summary, the available evidence is currently insufficient to determine the role of this variant in disease. Therefore, it has been classified as a Variant of Uncertain Significance.

NM_213607.3(DNAAF19):c.433G>A (p.Gly145Arg)

Gene: DNAAF19 (dynein axonemal assembly factor 19; plus strand). Cytogenetic location: 17q21.31.
Variant type: single nucleotide variant.
Coding change: c.433G>A on transcript NM_213607.3 (MANE Select); coding-DNA position 433, G replaced by A.
Protein change: p.Gly145Arg; replaces glycine 145 with arginine.
Molecular consequence: missense variant. On other transcripts: 3 prime UTR variant (3).
Genome position (GRCh38, 1-based): chr17:44,902,521, G>A. VCF-style: chr17-44902521-G-A. GRCh37 (hg19) VCF-style: chr17-42979889-G-A.
Other names: c.433G>A, p.Gly145Arg (NM_001258395.2, NM_001258396.2); c.*183G>A (NM_001258397.3); c.*122G>A (NM_001258398.3, NM_001258399.2); short protein forms G145R.
Identifiers: ClinVar variation 4788074 (VCV004788074.1).